The following is an entry in ClinVar:

NM_176824.3(BBS7):c.1012A>T (p.Met338Leu)

Gene: BBS7 (Bardet-Biedl syndrome 7; minus strand). Cytogenetic location: 4q27.
Variant type: single nucleotide variant.
Coding change: c.1012A>T on transcript NM_176824.3 (MANE Select); coding-DNA position 1012, A replaced by T.
Protein change: p.Met338Leu; replaces methionine 338 with leucine.
Molecular consequence: missense variant.
Genome position (GRCh38, 1-based): chr4:121,847,429, T>A on the plus strand (A>T on the coding strand, the complement: BBS7 is on the minus strand). VCF-style: chr4-121847429-T-A. GRCh37 (hg19) VCF-style: chr4-122768584-T-A.
Other names: c.1012A>T, p.Met338Leu (NM_018190.4); short protein forms M338L.
Identifiers: ClinVar variation 1030350 (VCV001030350.1), dbSNP rs1726067918, ClinGen allele CA358063074.
Genomic context (GRCh38, chr4:121,847,429, plus strand): 5'-ATTTTTAAAAAAGCAAATAAAAAACTCAAAGTTACCGTAAGGAAGAAATTTTATTCTGCA[T>A]CTCCTGATTAATTTTTAGTTCTTCTCCTGGTCCACTTTCCTTATGAATGGGCTCTGTTGT-3'
Protein context (NP_789794.1, residues 328-348): PGEELKINQE[Met338Leu]QNKISSLRNE

ClinVar aggregate classification (germline): Uncertain significance (1 of 4 stars; one submission).

Conditions:
Bardet-Biedl syndrome 7 (BBS7). Identifiers: Orphanet 110, MedGen C1859565, MONDO:0014435, OMIM 615984.

Allele frequency attached by ClinVar (database versions not stated): gnomAD exomes below 0.00001.
gnomAD v4.1: 3 of 1,613,112 alleles (0.00019%); highest among the groups gnomAD compares: South Asian, 0.0022%; no homozygotes.

Submission:

Baylor Genetics
Classification: Uncertain significance for Bardet-Biedl syndrome 7. Last evaluated: 2019-07-17. Review status: criteria provided, single submitter. Criteria: ACMG Guidelines, 2015. Collection method: clinical testing. Allele origin: unknown. Affected: yes.
Comment: This variant was determined to be of uncertain significance according to ACMG Guidelines, 2015 [PMID:25741868].